The following is an entry in ClinVar:

NM_022455.5(NSD1):c.5846C>T (p.Thr1949Ile)

Gene: NSD1 (nuclear receptor binding SET domain protein 1; plus strand). Cytogenetic location: 5q35.3.
Variant type: single nucleotide variant.
Coding change: c.5846C>T on transcript NM_022455.5 (MANE Select); coding-DNA position 5846, C replaced by T.
Protein change: p.Thr1949Ile; replaces threonine 1949 with isoleucine.
Molecular consequence: missense variant.
Genome position (GRCh38, 1-based): chr5:177,280,788, C>T. VCF-style: chr5-177280788-C-T. GRCh37 (hg19) VCF-style: chr5-176707789-C-T.
Other names: c.4973C>T, p.Thr1658Ile (NM_001365684.2, NM_001409308.1, NM_001409309.1 and 1 more transcripts); c.5846C>T, p.Thr1949Ile (NM_001409301.1, NM_001409302.1, NM_001409303.1); c.5426C>T, p.Thr1809Ile (NM_001409304.1); c.5093C>T, p.Thr1698Ile (NM_001409305.1); c.5084C>T, p.Thr1695Ile (NM_001409306.1, NM_001409307.1); short protein forms T1809I, T1698I, T1949I, T1658I, T1695I.
Identifiers: ClinVar variation 3692634 (VCV003692634.2).

ClinVar aggregate classification (germline): Uncertain significance (1 of 4 stars; one submission).

Submission:

Labcorp Genetics (formerly Invitae), Labcorp
Classification: Uncertain significance. Last evaluated: 2024-07-01. Review status: criteria provided, single submitter. Criteria: Invitae Variant Classification Sherloc (09022015). Collection method: clinical testing. Allele origin: germline.
Comment: This sequence change replaces threonine, which is neutral and polar, with isoleucine, which is neutral and non-polar, at codon 1949 of the NSD1 protein (p.Thr1949Ile). This variant is not present in population databases (gnomAD no frequency). This variant has not been reported in the literature in individuals affected with NSD1-related conditions. Advanced modeling of protein sequence and biophysical properties (such as structural, functional, and spatial information, amino acid conservation, physicochemical variation, residue mobility, and thermodynamic stability) performed at Invitae indicates that this missense variant is expected to disrupt NSD1 protein function with a positive predictive value of 95%. In summary, the available evidence is currently insufficient to determine the role of this variant in disease. Therefore, it has been classified as a Variant of Uncertain Significance.